The following is an entry in ClinVar:

ClinVar aggregate classification (germline): Uncertain significance (1 of 4 stars; one submission).

Conditions:
Cardiovascular phenotype. Identifiers: MedGen CN230736.

gnomAD v4.1: 1 of 1,614,220 alleles (0.000062%); highest among the groups gnomAD compares: South Asian, 0.0011%; no homozygotes.

Submission:

Ambry Genetics
Classification: Uncertain significance for Cardiovascular phenotype. Last evaluated: 2025-02-19. Review status: criteria provided, single submitter. Criteria: Ambry Variant Classification Scheme 2023. Collection method: clinical testing. Allele origin: germline.
Comment: The p.D792N variant (also known as c.2374G>A), located in coding exon 15 of the CBL gene, results from a G to A substitution at nucleotide position 2374. The aspartic acid at codon 792 is replaced by asparagine, an amino acid with highly similar properties. This amino acid position is conserved. In addition, this alteration is predicted to be tolerated by in silico analysis. Based on the available evidence, the clinical significance of this variant remains unclear.

NM_005188.4(CBL):c.2374G>A (p.Asp792Asn)

Gene: CBL (Cbl proto-oncogene; plus strand). Cytogenetic location: 11q23.3.
Variant type: single nucleotide variant.
Coding change: c.2374G>A on transcript NM_005188.4 (MANE Select); coding-DNA position 2374, G replaced by A.
Protein change: p.Asp792Asn; replaces aspartic acid 792 with asparagine.
Molecular consequence: missense variant.
Genome position (GRCh38, 1-based): chr11:119,298,480, G>A. VCF-style: chr11-119298480-G-A. GRCh37 (hg19) VCF-style: chr11-119169190-G-A.
Other names: short protein forms D792N.
Identifiers: ClinVar variation 3827854 (VCV003827854.1).